The following is an entry in ClinVar:

ClinVar aggregate classification (germline): Uncertain significance. Review status: criteria provided, multiple submitters, no conflicts (2 of 4 stars). 2 submissions from 2 submitters: Uncertain significance (2). Last evaluated 2026-08-18.

Conditions:
COL18A1-related disorder. Also called: COL18A1-related condition; COL18A1-related disorders.

Allele frequency attached by ClinVar (database versions not stated): gnomAD exomes below 0.00001; gnomAD 0.00001; TOPMed 0.00001.
gnomAD v4.1: 7 of 1,613,434 alleles (0.00043%); highest among the groups gnomAD compares: East Asian, 0.0022%; no homozygotes.

Submissions (2):

PreventionGenetics, part of Exact Sciences
Classification: Uncertain significance for COL18A1-related condition. Last evaluated: 2026-08-18. Review status: criteria provided, single submitter. Criteria: ACMG Guidelines, 2015. Collection method: clinical testing. Allele origin: germline.
Comment: The COL18A1 c.968G>A variant is predicted to result in the amino acid substitution p.Gly323Asp. To our knowledge, this variant has not been reported in the literature or in a large population database (gnomAD), indicating this variant is rare. At this time, the clinical significance of this variant is uncertain due to the absence of conclusive functional and genetic evidence.

Labcorp Genetics (formerly Invitae), Labcorp
Classification: Uncertain significance. Last evaluated: 2026-02-02. Review status: criteria provided, single submitter. Criteria: Invitae Variant Classification Sherloc (09022015). Collection method: clinical testing. Allele origin: germline.
Comment: This sequence change replaces glycine, which is neutral and non-polar, with aspartic acid, which is acidic and polar, at codon 143 of the COL18A1 protein (p.Gly143Asp). This variant is not present in population databases (gnomAD no frequency). This variant has not been reported in the literature in individuals affected with COL18A1-related conditions. ClinVar contains an entry for this variant (Variation ID: 1515361). Experimental studies and prediction algorithms are not available or were not evaluated, and the functional significance of this variant is currently unknown. In summary, the available evidence is currently insufficient to determine the role of this variant in disease. Therefore, it has been classified as a Variant of Uncertain Significance.

NM_001379500.1(COL18A1):c.428G>A (p.Gly143Asp)

Gene: COL18A1 (collagen type XVIII alpha 1 chain; plus strand). Cytogenetic location: 21q22.3.
Variant type: single nucleotide variant.
Coding change: c.428G>A on transcript NM_001379500.1 (MANE Select); coding-DNA position 428, G replaced by A.
Protein change: p.Gly143Asp; replaces glycine 143 with aspartic acid.
Molecular consequence: missense variant.
Genome position (GRCh38, 1-based): chr21:45,468,563, G>A. VCF-style: chr21-45468563-G-A. GRCh37 (hg19) VCF-style: chr21-46888477-G-A.
Other names: c.968G>A, p.Gly323Asp (NM_030582.4); c.1673G>A, p.Gly558Asp (NM_130444.3); c.968G>A (NM_030582.3); short protein forms G323D, G558D, G143D.
Identifiers: ClinVar variation 1515361 (VCV001515361.5), dbSNP rs2035299752, ClinGen allele CA410512025.